The following is an entry in ClinVar:

NM_000506.5(F2):c.1814_1815del (p.His605fs)

Gene: F2 (coagulation factor II, thrombin; plus strand). Cytogenetic location: 11p11.2.
Variant type: Deletion.
Coding change: c.1814_1815del on transcript NM_000506.5 (MANE Select); coding-DNA positions 1814 to 1815, 2 bases deleted (AT; older notation c.1814_1815delAT).
Protein change: p.His605fs; shifts the reading frame from histidine 605.
Molecular consequence: frameshift variant.
Genome position (GRCh38, 1-based): chr11:46,739,353-46,739,354, AT deleted. VCF-style (leftmost placement, unchanged base first): chr11-46739352-CAT-C. GRCh37 (hg19) VCF-style: chr11-46760902-CAT-C.
Other names: p.His605Argfs*13; c.1814_1815del (NM_000506.4); c.1814_1815delAT (NM_000506.4); short protein forms H605fs.
Identifiers: ClinVar variation 627262 (VCV000627262.10), dbSNP rs776618390, ClinGen allele CA5967403.
Genomic context (GRCh38, chr11:46,739,352, plus strand): 5'-ATGGGCATCGTCTCATGGGGTGAAGGCTGTGACCGGGATGGGAAATATGGCTTCTACACA[CAT>C]GTGTTCCGCCTGAAGAAGTGGATACAGAAGGTCATTGATCAGTTTGGAGAGTAGGGGGCC-3'

ClinVar aggregate classification (germline): Conflicting classifications of pathogenicity. Review status: criteria provided, conflicting classifications (1 of 4 stars). 6 submissions from 6 submitters: Likely pathogenic (4); Uncertain significance (1). 1 of the submissions does not count toward it. Last evaluated 2026-02-05.

Conditions:
Pregnancy loss, recurrent, susceptibility to, 2 (RPRGL2). Identifiers: MedGen C3280672, MONDO:0013728, OMIM 614390.
Congenital prothrombin deficiency. Also called: Factor II deficiency; HYPOPROTHROMBINEMIA; Hereditary factor II deficiency disease; Inherited hypoprothrombinemia; Congenital factor II deficiency; Inherited prothrombin deficiency. Identifiers: Orphanet 325, MedGen C0272317, MONDO:0013361, OMIM 613679.
Ischemic stroke. Also called: CEREBROVASCULAR ACCIDENT; Ischemic stroke, susceptibility to. Identifiers: MedGen C0948008, MONDO:1060198, OMIM 601367, HP:0002140.
Thrombophilia due to thrombin defect (THPH1). Also called: Thrombosis susceptibility; THROMBOPHILIA DUE TO FACTOR 2 DEFECT; Prothrombin-Related Thrombophilia (Factor II); Prothrombin Thrombophilia. Identifiers: MedGen C3160733, MONDO:0008559, OMIM 188050. Disease mechanism: gain of function, loss of function.
Bleeding and platelet disorders.
F2-related disorder. Also called: F2-related disorders; F2-related condition.
Prolonged prothrombin time. Also called: Reduced prothrombin activity; Reduced factor II activity; Low factor II activity; increased international normalized ratio. Identifiers: MedGen C0853225, HP:0008151.

Allele frequency attached by ClinVar (database versions not stated): gnomAD 0.00001; gnomAD exomes 0.00001 and 0.00003; ExAC 0.00002; TOPMed 0.00003.

Submissions (6):

North West Genomic Laboratory Hub, Manchester University NHS Foundation Trust
Classification: Likely pathogenic for Bleeding and platelet disorders. Last evaluated: 2026-02-05. Review status: criteria provided, single submitter. Criteria: ACGS Best Practice Guidelines for Variant Classification in Rare Disease 2024. Collection method: clinical testing. Allele origin: germline. Affected: yes.
Comment: PP4_Mod PVS1_Str PM2_Mod

Genomic Medicine Center of Excellence, King Faisal Specialist Hospital and Research Centre
Classification: Uncertain significance for Congenital prothrombin deficiency. Last evaluated: 2024-03-25. Review status: criteria provided, single submitter. Criteria: ACMG Guidelines, 2015. Collection method: clinical testing. Allele origin: germline.

Fulgent Genetics
Classification: Likely pathogenic for Thrombophilia due to thrombin defect; Ischemic stroke; Congenital prothrombin deficiency; Pregnancy loss, recurrent, susceptibility to, 2. Last evaluated: 2024-03-23. Review status: criteria provided, single submitter. Criteria: ACMG Guidelines, 2015. Collection method: clinical testing. Allele origin: germline.

Mayo Clinic Laboratories, Mayo Clinic
Classification: Likely pathogenic. Last evaluated: 2022-06-07. Review status: criteria provided, single submitter. Criteria: ACMG Guidelines, 2015. Collection method: clinical testing. Allele origin: germline. Observed: 1 variant allele.
Comment: PM2, PM3_supporting, PVS1_strong

NIHR Bioresource Rare Diseases, University of Cambridge
Classification: Likely pathogenic. Last evaluated: 2019-02-01. Review status: criteria provided, single submitter. Criteria: ACMG Guidelines, 2015. Collection method: research. Allele origin: unknown. Affected: yes. Observed: 1 compound heterozygote. Study: ThromboGenomics.

PreventionGenetics, part of Exact Sciences
Classification: Likely pathogenic for F2-related condition. Last evaluated: 2024-05-14. Review status: no assertion criteria provided. Collection method: clinical testing. Allele origin: germline. Not counted in ClinVar's aggregate classification.
Comment: The F2 c.1814_1815delAT variant is predicted to result in a frameshift and premature protein termination (p.His605Argfs*13). This variant was reported, along with a second F2 variant, in an individual with coagulation abnormalities (Downes et al. 2019. PubMed ID: 31064749, Patient #TGP0016 in Supplemental Table). This variant is reported in 0.0046% of alleles in individuals of European (Finnish) descent in gnomAD. Frameshift variants in F2 are expected to be pathogenic. This variant is interpreted as likely pathogenic.

Literature cited by the submitters: PubMed 31064749 (cited by NIHR Bioresource Rare Diseases, University of Cambridge).